The following is an entry in ClinVar:

NM_000368.5(TSC1):c.2329del (p.Ser777fs)

Gene: TSC1 (TSC complex subunit 1; minus strand). Cytogenetic location: 9q34.13.
Variant type: Deletion.
Coding change: c.2329del on transcript NM_000368.5 (MANE Select); coding-DNA position 2329, one base deleted (A; older notation c.2329delA).
Protein change: p.Ser777fs; shifts the reading frame from serine 777.
Molecular consequence: frameshift variant.
Genome position (GRCh38, 1-based): chr9:132,902,667, T deleted on the plus strand (A on the coding strand, the reverse complement: TSC1 is on the minus strand). VCF-style (leftmost placement, unchanged base first): chr9-132902666-CT-C. GRCh37 (hg19) VCF-style: chr9-135778053-CT-C.
Other names: c.2329delA (NM_000368.4); c.2326del, p.Ser776fs (NM_001162426.2); c.2176del, p.Ser726fs (NM_001162427.2); c.1966del, p.Ser656fs (NM_001362177.2); short protein forms S656fs, S726fs, S777fs, S776fs.
Identifiers: ClinVar variation 64708 (VCV000064708.3), dbSNP rs397514780, ClinGen allele CA006309.

ClinVar aggregate classification (germline): Pathogenic. Review status: criteria provided, single submitter (1 of 4 stars). 2 submissions from 2 submitters: Pathogenic (1). 1 of the submissions does not count toward it. Last evaluated 2018-11-21.

Conditions:
Tuberous sclerosis syndrome (TSC). Also called: Tuberous sclerosis; Tuberous Sclerosis Complex. Identifiers: Orphanet 805, MedGen C0041341, MONDO:0001734.
Lymphangiomyomatosis (LAM). Also called: Lymphangioleiomyomatosis; Lymphangioleiomyomatosis, somatic. Identifiers: Orphanet 538, MedGen C0751674, MONDO:0011705, OMIM 606690.

Submissions (2):

Baylor Genetics
Classification: Pathogenic for Lymphangiomyomatosis. Last evaluated: 2018-11-21. Review status: criteria provided, single submitter. Criteria: ACMG Guidelines, 2015. Collection method: clinical testing. Allele origin: de novo. Affected: yes.
Comment: This variant was determined to be pathogenic according to ACMG Guidelines, 2015 [PMID:25741868].

Tuberous sclerosis database (TSC1)
No classification provided. Condition: TSC. Review status: no classification provided. Criteria: Tuberous Sclerosis Database Assertion Criteria 2015. Collection method: curation. Allele origin: germline. Affected: yes. Not counted in ClinVar's aggregate classification.